The following is an entry in ClinVar:

ClinVar aggregate classification (germline): Pathogenic/Likely pathogenic. Review status: criteria provided, multiple submitters, no conflicts (2 of 4 stars). 8 submissions from 8 submitters: Pathogenic (6); Likely pathogenic (2). Last evaluated 2024-11-11.

Conditions:
Hereditary cancer-predisposing syndrome. Also called: Tumor predisposition; Hereditary Cancer Syndrome; Hereditary neoplastic syndrome; Neoplastic Syndromes, Hereditary. Identifiers: Orphanet 140162, MedGen C0027672, MeSH D009386, MONDO:0015356.
Familial cancer of breast. Also called: BREAST CANCER, FAMILIAL; hereditary breast carcinoma; Hereditary breast cancer. Identifiers: Orphanet 227535, MedGen C0346153, MONDO:0016419, OMIM 114480. Disease mechanism: loss of function.
Ataxia-telangiectasia syndrome (AT). Also called: LOUIS-BAR SYNDROME; Cerebello-oculocutaneous telangiectasia; Immunodeficiency with ataxia telangiectasia; ATAXIA-TELANGIECTASIA, COMPLEMENTATION GROUP A; ATAXIA-TELANGIECTASIA, FRESNO VARIANT; Ataxia-telangiectasia. Identifiers: Orphanet 100, MedGen C0004135, MONDO:0008840, OMIM 208900.

Submissions (8):

Ambry Genetics
Classification: Pathogenic for Hereditary cancer-predisposing syndrome. Last evaluated: 2024-11-11. Review status: criteria provided, single submitter. Criteria: Ambry Variant Classification Scheme 2023. Collection method: clinical testing. Allele origin: germline.
Comment: The c.4625dupT pathogenic mutation, located in coding exon 30 of the ATM gene, results from a duplication of T at nucleotide position 4625, causing a translational frameshift with a predicted alternate stop codon (p.L1542Ffs*8). This alteration was identified in 1/10030 consecutive patients referred for evaluation by an NGS hereditary cancer panel in a patient with a history of breast cancer (Susswein LR et al. Genet. Med., 2016 08;18:823-32). This variant is considered to be rare based on population cohorts in the Genome Aggregation Database (gnomAD). This alteration is expected to result in loss of function by premature protein truncation or nonsense-mediated mRNA decay. As such, this alteration is interpreted as a disease-causing mutation.

Natera, Inc.
Classification: Likely pathogenic for Ataxia-telangiectasia. Last evaluated: 2024-10-14. Review status: criteria provided, single submitter. Criteria: Natera Variant Classification Schema (03/2026). Collection method: clinical testing. Allele origin: germline.
Comment: The c.4625dupT variant in ATM is a frameshift variant predicted to shift the reading frame beginning at codon 1542 and leads to a stop codon 8 codons downstream. This variant is expected to result in nonsense mediated decay, truncation, or a dysfunctional protein product. This variant is rare in the general population with a frequency below the threshold expected for the associated phenotype(s). Given the available evidence, this variant is classified as Likely Pathogenic.

Women's Health and Genetics/Laboratory Corporation of America, LabCorp
Classification: Pathogenic for Ataxia-telangiectasia syndrome. Last evaluated: 2024-10-09. Review status: criteria provided, single submitter. Criteria: LabCorp Variant Classification Summary - May 2015. Collection method: clinical testing. Allele origin: germline.
Comment: Variant summary: ATM c.4625dupT (p.Leu1542PhefsX8) results in a premature termination codon, predicted to cause a truncation of the encoded protein or absence of the protein due to nonsense mediated decay, which are commonly known mechanisms for disease. The variant allele was found at a frequency of 4.2e-06 in 235442 control chromosomes. c.4625dupT has been reported in the literature in at least 1 individual affected with breast cancer (example, Susswein_2016). To our knowledge, no experimental evidence demonstrating an impact on protein function has been reported. The following publication has been ascertained in the context of this evaluation (PMID: 26681312). ClinVar contains an entry for this variant (Variation ID: 181875). Based on the evidence outlined above, the variant was classified as pathogenic.

Quest Diagnostics Nichols Institute San Juan Capistrano
Classification: Pathogenic. Last evaluated: 2024-10-03. Review status: criteria provided, single submitter. Criteria: Quest Diagnostics criteria. Collection method: clinical testing. Allele origin: unknown.
Comment: The ATM c.4625dup (p.Leu1542Phefs*8) variant alters the translational reading frame of the ATM mRNA and causes the premature termination of ATM protein synthesis. This variant has been reported in the published literature in an individual with breast cancer (PMID: 26681312 (2015)). The frequency of this variant in the general population, 0.0000042 (1/235442 chromosomes (Genome Aggregation Database)), is consistent with pathogenicity. Based on the available information, this variant is classified as pathogenic.

Labcorp Genetics (formerly Invitae), Labcorp
Classification: Pathogenic for Ataxia-telangiectasia syndrome. Last evaluated: 2024-09-06. Review status: criteria provided, single submitter. Criteria: Invitae Variant Classification Sherloc (09022015). Collection method: clinical testing. Allele origin: germline.
Comment: This sequence change creates a premature translational stop signal (p.Leu1542Phefs*8) in the ATM gene. It is expected to result in an absent or disrupted protein product. Loss-of-function variants in ATM are known to be pathogenic (PMID: 23807571, 25614872). This variant is present in population databases (rs730881304, gnomAD 0.001%). This premature translational stop signal has been observed in individual(s) with breast cancer (PMID: 26681312). ClinVar contains an entry for this variant (Variation ID: 181875). RNA analysis performed to evaluate the impact of this premature translational stop signal on mRNA splicing indicates it does not significantly alter splicing (internal data). For these reasons, this variant has been classified as Pathogenic.

Myriad Genetics, Inc.
Classification: Pathogenic for Familial cancer of breast. Last evaluated: 2024-01-24. Review status: criteria provided, single submitter. Criteria: Myriad Autosomal Dominant, Autosomal Recessive and X-Linked Classification Criteria (2023). Collection method: clinical testing. Allele origin: unknown.
Comment: This variant is considered pathogenic. This variant creates a frameshift predicted to result in premature protein truncation.

Baylor Genetics
Classification: Likely pathogenic for Familial cancer of breast. Last evaluated: 2023-11-21. Review status: criteria provided, single submitter. Criteria: ACMG Guidelines, 2015. Collection method: clinical testing. Allele origin: unknown.

GeneDx
Classification: Pathogenic. Last evaluated: 2014-09-17. Review status: criteria provided, single submitter. Criteria: GeneDx Variant Classification (06012015). Collection method: clinical testing. Allele origin: germline. Affected: yes.
Comment: This duplication of one nucleotide in ATM is denoted c.4625dupT at the cDNA level and p.Leu1542PhefsX8 (L1542FfsX8) at the protein level. The normal sequence, with the bases that are duplicated in brackets, is TTGT[T]GAAA. The duplication causes a frameshift, which changes a Leucine to a Phenylalanine at codon 1542, and creates a premature stop codon at position 8 of the new reading frame. Although this variant has not, to our knowledge, been reported in the literature, it is predicted to cause loss of normal protein function through either protein truncation or nonsense-mediated mRNA decay. we consider this variant to be pathogenic. The presence of

Literature cited by the submitters: PubMed 26681312 (cited by 4 submitters); PubMed 29922827 (cited by Quest Diagnostics Nichols Institute San Juan Capistrano); PubMed 23807571 (cited by Labcorp Genetics (formerly Invitae), Labcorp); PubMed 25614872 (cited by Labcorp Genetics (formerly Invitae), Labcorp).

NM_000051.4(ATM):c.4625dup (p.Leu1542fs)

Gene: ATM (ATM serine/threonine kinase; plus strand). Cytogenetic location: 11q22.3.
Variant type: Duplication.
Coding change: c.4625dup on transcript NM_000051.4 (MANE Select); coding-DNA position 4625, one base duplicated (T; older notation c.4625dupT).
Protein change: p.Leu1542fs; shifts the reading frame from leucine 1542.
Molecular consequence: frameshift variant.
Genome position (GRCh38, 1-based): chr11:108,293,326, T duplicated; the last of 2 consecutive T bases (chr11:108,293,325-108,293,326); duplicating either gives the same sequence. VCF-style (leftmost placement, unchanged base first): chr11-108293324-G-GT. GRCh37 (hg19) VCF-style: chr11-108164051-G-GT.
Other names: c.4625dupT (NM_000051.3, NM_000051.4); c.4625dup, p.Leu1542fs (NM_001351834.2); short protein forms L1542fs.
Identifiers: ClinVar variation 181875 (VCV000181875.20), dbSNP rs730881304, ClinGen allele CA298018.